The following is an entry in ClinVar:

NM_003718.5(CDK13):c.1329_1332del (p.Leu443_Thr444insTer)

Gene: CDK13 (cyclin dependent kinase 13; plus strand). Cytogenetic location: 7p14.1.
Variant type: Deletion.
Coding change: c.1329_1332del on transcript NM_003718.5 (MANE Select); coding-DNA positions 1329 to 1332, 4 bases deleted (AACT; older notation c.1329_1332delAACT).
Protein change: p.Leu443_Thr444insTer.
Molecular consequence: frameshift variant. On other transcripts: nonsense (1).
Genome position (GRCh38, 1-based): chr7:39,987,716-39,987,719, AACT deleted; deleting any 4 consecutive bases within chr7:39,987,713-39,987,719 gives the same sequence; the c. name uses the placement nearest the transcript's 3' end. VCF-style (leftmost placement, unchanged base first): chr7-39987712-CACTA-C. GRCh37 (hg19) VCF-style: chr7-40027311-CACTA-C.
Other names: c.1329_1332delAACT, p.Thr444Terfs (NM_031267.4).
Identifiers: ClinVar variation 3346684 (VCV003346684.1).

ClinVar aggregate classification (germline): Likely pathogenic (0 of 4 stars; one submission).

Conditions:
CDK13-related disorder. Also called: CDK13-related condition. Identifiers: MedGen C5816700.

Submission:

PreventionGenetics, part of Exact Sciences
Classification: Likely pathogenic for CDK13-related condition. Last evaluated: 2024-08-27. Review status: no assertion criteria provided. Collection method: clinical testing. Allele origin: germline.
Comment: The CDK13 c.1329_1332delAACT variant is predicted to result in premature protein termination (p.Thr444*). To our knowledge, this variant has not been reported in the literature or in a large population database, indicating this variant is rare. Nonsense variants in CDK13 are expected to be pathogenic. This variant is interpreted as likely pathogenic.